The following is an entry in ClinVar:

NM_003737.4(DCHS1):c.6028G>A (p.Gly2010Ser)

Gene: DCHS1 (dachsous cadherin-related 1; minus strand). Cytogenetic location: 11p15.4.
Variant type: single nucleotide variant.
Coding change: c.6028G>A on transcript NM_003737.4 (MANE Select); coding-DNA position 6028, G replaced by A.
Protein change: p.Gly2010Ser; replaces glycine 2010 with serine.
Molecular consequence: missense variant.
Genome position (GRCh38, 1-based): chr11:6,627,011, C>T on the plus strand (G>A on the coding strand, the complement: DCHS1 is on the minus strand). VCF-style: chr11-6627011-C-T. GRCh37 (hg19) VCF-style: chr11-6648242-C-T.
Other names: short protein forms G2010S.
Identifiers: ClinVar variation 3353808 (VCV003353808.1).
Genomic context (GRCh38, chr11:6,627,011, plus strand): 5'-CTAGAGCTACAGGAGAGCGGGCCACGCGGATTTCACCAGTGTAAGAGTCCACAGTAGTGC[C>T]AGGAGGTGGTGTGCCTGCCAGCCGGTACAGAATGGAAGCATTGGCACCAGCATCACGATC-3'
Protein context (NP_003728.1, residues 2000-2020): LYRLAGTPPP[Gly2010Ser]TTVDSYTGEI

ClinVar aggregate classification (germline): Uncertain significance (0 of 4 stars; one submission).

Conditions:
DCHS1-related disorder. Also called: DCHS1-related condition.

gnomAD v4.1: 11 of 1,613,598 alleles (0.00068%); highest among the groups gnomAD compares: Non-Finnish European, 0.00093%; no homozygotes.

Submission:

PreventionGenetics, part of Exact Sciences
Classification: Uncertain significance for DCHS1-related condition. Last evaluated: 2024-05-13. Review status: no assertion criteria provided. Collection method: clinical testing. Allele origin: germline.
Comment: The DCHS1 c.6028G>A variant is predicted to result in the amino acid substitution p.Gly2010Ser. To our knowledge, this variant has not been reported in the literature or in a large population database, indicating this variant is rare. At this time, the clinical significance of this variant is uncertain due to the absence of conclusive functional and genetic evidence.